The following is an entry in ClinVar:

NM_182914.3(SYNE2):c.14831A>C (p.Lys4944Thr)

Gene: SYNE2 (spectrin repeat containing nuclear envelope protein 2; plus strand). Cytogenetic location: 14q23.2.
Variant type: single nucleotide variant.
Coding change: c.14831A>C on transcript NM_182914.3 (MANE Select); coding-DNA position 14831, A replaced by C.
Protein change: p.Lys4944Thr; replaces lysine 4944 with threonine.
Molecular consequence: missense variant.
Genome position (GRCh38, 1-based): chr14:64,137,971, A>C. VCF-style: chr14-64137971-A-C. GRCh37 (hg19) VCF-style: chr14-64604689-A-C.
Other names: c.14831A>C, p.Lys4944Thr (NM_015180.6); short protein forms K4944T.
Identifiers: ClinVar variation 2644299 (VCV002644299.26), dbSNP rs756265438, ClinGen allele CA7222881.

ClinVar aggregate classification (germline): Conflicting classifications of pathogenicity. Review status: criteria provided, conflicting classifications (1 of 4 stars). 2 submissions from 2 submitters: Uncertain significance (1); Likely benign (1). Last evaluated 2025-05-26.

Conditions:
Emery-Dreifuss muscular dystrophy 5, autosomal dominant (EDMD5). Also called: EMERY-DREIFUSS MUSCULAR DYSTROPHY 5. Identifiers: Orphanet 261, MedGen C2751805, MONDO:0013072, OMIM 612999.

Allele frequency attached by ClinVar (database versions not stated): ExAC 0.00002; gnomAD 0.00002; TOPMed 0.00002.
gnomAD v4.1: 67 of 1,613,730 alleles (0.0042%); highest among the groups gnomAD compares: Non-Finnish European, 0.0054%; no homozygotes.

Submissions (2):

Labcorp Genetics (formerly Invitae), Labcorp
Classification: Uncertain significance for Emery-Dreifuss muscular dystrophy 5, autosomal dominant. Last evaluated: 2025-05-26. Review status: criteria provided, single submitter. Criteria: Invitae Variant Classification Sherloc (09022015). Collection method: clinical testing. Allele origin: germline.
Comment: This sequence change replaces lysine, which is basic and polar, with threonine, which is neutral and polar, at codon 4944 of the SYNE2 protein (p.Lys4944Thr). This variant is present in population databases (rs756265438, gnomAD 0.005%). This variant has not been reported in the literature in individuals affected with SYNE2-related conditions. ClinVar contains an entry for this variant (Variation ID: 2644299). An algorithm developed to predict the effect of missense changes on protein structure and function (PolyPhen-2) suggests that this variant is likely to be disruptive. In summary, the available evidence is currently insufficient to determine the role of this variant in disease. Therefore, it has been classified as a Variant of Uncertain Significance.

CeGaT Center for Human Genetics Tuebingen
Classification: Likely benign. Last evaluated: 2022-10-01. Review status: criteria provided, single submitter. Criteria: CeGaT Center For Human Genetics Tuebingen Variant Classification Criteria Version 2. Collection method: clinical testing. Allele origin: germline. Affected: yes. Observed: 1 variant allele.
Comment: SYNE2: BP4